The following is an entry in ClinVar:

ClinVar aggregate classification (germline): Likely benign (1 of 4 stars; one submission).

Conditions:
SEMA3C-related disorder. Also called: SEMA3C-related condition.

Submission:

PreventionGenetics, part of Exact Sciences
Classification: Likely benign for SEMA3C-related condition. Last evaluated: 2024-10-28. Review status: criteria provided, single submitter. Criteria: ACMG Guidelines, 2015. Collection method: clinical testing. Allele origin: germline.
Comment: This variant is classified as likely benign based on ACMG/AMP sequence variant interpretation guidelines (Richards et al. 2015 PMID: 25741868, with internal and published modifications).

NM_006379.5(SEMA3C):c.321T>C (p.Asp107=)

Gene: SEMA3C (semaphorin 3C; minus strand). Cytogenetic location: 7q21.11.
Variant type: single nucleotide variant.
Coding change: c.321T>C on transcript NM_006379.5 (MANE Select); coding-DNA position 321, T replaced by C.
Protein change: p.Asp107=; no amino-acid change (aspartic acid 107 retained).
Molecular consequence: synonymous variant.
Genome position (GRCh38, 1-based): chr7:80,827,431, A>G on the plus strand (T>C on the coding strand, the complement: SEMA3C is on the minus strand). VCF-style: chr7-80827431-A-G. GRCh37 (hg19) VCF-style: chr7-80456747-A-G.
Other names: c.375T>C, p.Asp125= (NM_001350120.2); c.147T>C, p.Asp49= (NM_001350121.2).
Identifiers: ClinVar variation 5002070 (VCV005002070.1).